The following is an entry in ClinVar:

ClinVar aggregate classification (germline): Likely pathogenic (1 of 4 stars; one submission).

Conditions:
Carnitine palmitoyltransferase II deficiency. Also called: Carnitine Palmitoyltransferase 2 Deficiency. Identifiers: Orphanet 157, MedGen C0342790, MONDO:0015515.

Submission:

Natera, Inc.
Classification: Likely pathogenic for Carnitine palmitoyltransferase II deficiency. Last evaluated: 2024-03-13. Review status: criteria provided, single submitter. Criteria: Natera Variant Classification Schema (03/2026). Collection method: clinical testing. Allele origin: germline.
Comment: The c.502delG variant in CPT2 is a frameshift variant predicted to shift the reading frame beginning at codon 168 and leads to a stop codon 11 codons downstream. This variant is expected to result in nonsense mediated decay, truncation, or a dysfunctional protein product. This variant is rare in the general population with a frequency below the threshold expected for the associated phenotype(s). Given the available evidence, this variant is classified as Likely Pathogenic.

NM_000098.3(CPT2):c.502del (p.Ala168fs)

Gene: CPT2 (carnitine palmitoyltransferase 2; plus strand). Cytogenetic location: 1p32.3.
Variant type: Deletion.
Coding change: c.502del on transcript NM_000098.3 (MANE Select); coding-DNA position 502, one base deleted (G; older notation c.502delG).
Protein change: p.Ala168fs; shifts the reading frame from alanine 168.
Molecular consequence: frameshift variant.
Genome position (GRCh38, 1-based): chr1:53,210,176, G deleted; the last of 3 consecutive G bases (chr1:53,210,174-53,210,176); deleting any one gives the same sequence. VCF-style (leftmost placement, unchanged base first): chr1-53210173-CG-C. GRCh37 (hg19) VCF-style: chr1-53675845-CG-C.
Other names: c.502del, p.Ala168fs (NM_001330589.2); short protein forms A168fs.
Identifiers: ClinVar variation 4817420 (VCV004817420.1).